The following is an entry in ClinVar:

NM_001184.4(ATR):c.1594A>G (p.Ile532Val)

Gene: ATR (ATR serine/threonine kinase; minus strand). Cytogenetic location: 3q23.
Variant type: single nucleotide variant.
Coding change: c.1594A>G on transcript NM_001184.4 (MANE Select); coding-DNA position 1594, A replaced by G.
Protein change: p.Ile532Val; replaces isoleucine 532 with valine.
Molecular consequence: missense variant.
Genome position (GRCh38, 1-based): chr3:142,559,389, T>C on the plus strand (A>G on the coding strand, the complement: ATR is on the minus strand). VCF-style: chr3-142559389-T-C. GRCh37 (hg19) VCF-style: chr3-142278231-T-C.
Other names: c.1402A>G, p.Ile468Val (NM_001354579.2); short protein forms I468V, I532V.
Identifiers: ClinVar variation 3460884 (VCV003460884.1).

ClinVar aggregate classification (germline): Uncertain significance (1 of 4 stars; one submission).

Conditions:
Inborn genetic diseases. Identifiers: MedGen C0950123, MeSH D030342.

Submission:

Ambry Genetics
Classification: Uncertain significance for Inborn genetic diseases. Last evaluated: 2024-07-28. Review status: criteria provided, single submitter. Criteria: Ambry Variant Classification Scheme 2023. Collection method: clinical testing. Allele origin: germline.
Comment: The p.I532V variant (also known as c.1594A>G), located in coding exon 7 of the ATR gene, results from an A to G substitution at nucleotide position 1594. The isoleucine at codon 532 is replaced by valine, an amino acid with highly similar properties. This amino acid position is conserved. In addition, this alteration is predicted to be tolerated by in silico analysis. Based on the available evidence, the clinical significance of this variant remains unclear.